The following is an entry in ClinVar:

ClinVar aggregate classification (germline): Uncertain significance. Review status: criteria provided, multiple submitters, no conflicts (2 of 4 stars). 2 submissions from 2 submitters: Uncertain significance (2). Last evaluated 2025-08-08.

Conditions:
Pulmonary fibrosis and/or bone marrow failure, Telomere-related, 3. Also called: PULMONARY FIBROSIS AND/OR BONE MARROW FAILURE SYNDROME, TELOMERE-RELATED, 3. Identifiers: Orphanet 2032, MedGen C4225346, MONDO:0014613, OMIM 616373.
Dyskeratosis congenita, autosomal recessive 5 (DKCB5). Identifiers: MedGen C3554656, MONDO:0014076, OMIM 615190.
Inborn genetic diseases. Identifiers: MedGen C0950123, MeSH D030342.

gnomAD v4.1: 1 of 1,609,074 alleles (0.000062%); highest among the groups gnomAD compares: Non-Finnish European, 0.000085%; no homozygotes.

Submissions (2):

Labcorp Genetics (formerly Invitae), Labcorp
Classification: Uncertain significance for Dyskeratosis congenita, autosomal recessive 5; Pulmonary fibrosis and/or bone marrow failure, Telomere-related, 3. Last evaluated: 2025-08-08. Review status: criteria provided, single submitter. Criteria: Invitae Variant Classification Sherloc (09022015). Collection method: clinical testing. Allele origin: germline.
Comment: This sequence change replaces glycine, which is neutral and non-polar, with aspartic acid, which is acidic and polar, at codon 1025 of the RTEL1 protein (p.Gly1025Asp). This variant is not present in population databases (gnomAD no frequency). This variant has not been reported in the literature in individuals affected with RTEL1-related conditions. ClinVar contains an entry for this variant (Variation ID: 3435984). An algorithm developed to predict the effect of missense changes on protein structure and function (PolyPhen-2) suggests that this variant is likely to be disruptive. In summary, the available evidence is currently insufficient to determine the role of this variant in disease. Therefore, it has been classified as a Variant of Uncertain Significance.

Ambry Genetics
Classification: Uncertain significance for Inborn genetic diseases. Last evaluated: 2024-11-26. Review status: criteria provided, single submitter. Criteria: Ambry Variant Classification Scheme 2023. Collection method: clinical testing. Allele origin: germline.
Comment: The p.G1025D variant (also known as c.3074G>A), located in coding exon 30 of the RTEL1 gene, results from a G to A substitution at nucleotide position 3074. The glycine at codon 1025 is replaced by aspartic acid, an amino acid with similar properties. This amino acid position is conserved. In addition, this alteration is predicted to be deleterious by in silico analysis. Based on the available evidence, the clinical significance of this variant remains unclear.

NM_001283009.2(RTEL1):c.3074G>A (p.Gly1025Asp)

Genes: RTEL1 (regulator of telomere elongation helicase 1; plus strand), RTEL1-TNFRSF6B (RTEL1-TNFRSF6B readthrough (NMD candidate); plus strand). Cytogenetic location: 20q13.33.
Variant type: single nucleotide variant.
Coding change: c.3074G>A on transcript NM_001283009.2 (MANE Select); coding-DNA position 3074, G replaced by A.
Protein change: p.Gly1025Asp; replaces glycine 1025 with aspartic acid.
Molecular consequence: missense variant. On other transcripts: non-coding transcript variant (1).
Genome position (GRCh38, 1-based): chr20:63,694,453, G>A. VCF-style: chr20-63694453-G-A. GRCh37 (hg19) VCF-style: chr20-62325806-G-A.
Other names: c.2405G>A, p.Gly802Asp (NM_001283010.1); c.3074G>A, p.Gly1025Asp (NM_016434.4); c.3146G>A, p.Gly1049Asp (NM_032957.5); short protein forms G1025D, G1049D, G802D.
Identifiers: ClinVar variation 3435984 (VCV003435984.3).